The following is an entry in ClinVar:

ClinVar aggregate classification (germline): Conflicting classifications of pathogenicity. Review status: criteria provided, conflicting classifications (1 of 4 stars). 2 submissions from 2 submitters: Uncertain significance (1); Likely benign (1). Last evaluated 2023-03-23.

Conditions:
Hereditary cancer-predisposing syndrome. Also called: Neoplastic Syndromes, Hereditary; Hereditary Cancer Syndrome; Hereditary neoplastic syndrome; Tumor predisposition. Identifiers: Orphanet 140162, MedGen C0027672, MeSH D009386, MONDO:0015356.
Hereditary breast ovarian cancer syndrome. Also called: Hereditary breast and ovarian cancer syndrome (HBOC); Hereditary breast and ovarian cancer syndrome; Breast and ovarian cancer; Hereditary breast and/or ovarian cancer syndrome; Hereditary breast and ovarian cancer; BRCA1- and BRCA2-Associated Hereditary Breast and Ovarian Cancer. Identifiers: Orphanet 145, MedGen C0677776, MeSH D061325, MONDO:0003582. Disease mechanism: loss of function.

Submissions (2):

University of Washington Department of Laboratory Medicine, University of Washington
Classification: Likely benign for Hereditary cancer-predisposing syndrome. Last evaluated: 2023-03-23. Review status: criteria provided, single submitter. Criteria: Dines et al. (Genet Med. 2020). Collection method: curation. Allele origin: germline.
Comment: Missense variant in a coldspot region where missense variants are very unlikely to be pathogenic (PMID:31911673).

BRCA1 coldspot (exon 11 using historical exon numbering). Reclassification based on statistical prior probability

Labcorp Genetics (formerly Invitae), Labcorp
Classification: Uncertain significance for Hereditary breast ovarian cancer syndrome. Last evaluated: 2017-02-07. Review status: criteria provided, single submitter. Criteria: Invitae Variant Classification Sherloc (09022015). Collection method: clinical testing. Allele origin: germline.
Comment: In summary, this variant is a novel missense change that is not predicted to affect protein function. There is no indication that it causes disease, but the available evidence is currently insufficient to prove that conclusively. Therefore, it has been classified as a Variant of Uncertain Significance. Algorithms developed to predict the effect of missense changes on protein structure and function output the following: (SIFT: "Tolerated"; PolyPhen-2: "Possibly Damaging"; Align-GVGD: "Class C0"). The valine amino acid residue is found in multiple mammalian species, suggesting that this missense change does not adversely affect protein function. These predictions have not been confirmed by published functional studies. This variant is not present in population databases (ExAC no frequency) and has not been reported in the literature in individuals with a BRCA1-related disease. This sequence change replaces alanine with valine at codon 678 of the BRCA1 protein (p.Ala678Val). The alanine residue is moderately conserved and there is a small physicochemical difference between alanine and valine.

NM_007294.4(BRCA1):c.2033C>T (p.Ala678Val)

Gene: BRCA1 (BRCA1 DNA repair associated; minus strand). Cytogenetic location: 17q21.31.
Variant type: single nucleotide variant.
Coding change: c.2033C>T on transcript NM_007294.4 (MANE Select); coding-DNA position 2033, C replaced by T.
Protein change: p.Ala678Val; replaces alanine 678 with valine.
Molecular consequence: missense variant. On other transcripts: intron variant (137).
Genome position (GRCh38, 1-based): chr17:43,093,498, G>A on the plus strand (C>T on the coding strand, the complement: BRCA1 is on the minus strand). VCF-style: chr17-43093498-G-A. GRCh37 (hg19) VCF-style: chr17-41245515-G-A.
Other names: c.2033C>T, p.Ala678Val (NM_001407583.1, NM_001407585.1, NM_001407593.1 and 30 more transcripts); c.1952C>T, p.Ala651Val (NM_001407661.1, NM_001407662.1, NM_001407659.1 and 1 more transcripts); c.1910C>T, p.Ala637Val (NM_001407665.1, NM_001407666.1, NM_001407667.1 and 19 more transcripts); c.1955C>T, p.Ala652Val (NM_001407663.1, NM_001407653.1, NM_001407654.1 and 4 more transcripts); c.2030C>T, p.Ala677Val (NM_001407590.1, NM_001407591.1, NM_001407587.1 and 22 more transcripts); c.1820C>T, p.Ala607Val (NM_001407571.1, NM_001407853.1, NM_001407894.1 and 9 more transcripts); c.2024C>T, p.Ala675Val (NM_001407646.1, NM_001407647.1); c.1907C>T, p.Ala636Val (NM_001407649.1, NM_001407670.1, NM_001407671.1 and 11 more transcripts); and 40 more; short protein forms A678V, A631V, A652V, A675V, A550V, A566V, A607V, A608V.
Identifiers: ClinVar variation 462574 (VCV000462574.12), dbSNP rs1555590634, ClinGen allele CA10597942.